The following is an entry in ClinVar:

NM_182914.3(SYNE2):c.8171A>T (p.Glu2724Val)

Gene: SYNE2 (spectrin repeat containing nuclear envelope protein 2; plus strand). Cytogenetic location: 14q23.2.
Variant type: single nucleotide variant.
Coding change: c.8171A>T on transcript NM_182914.3 (MANE Select); coding-DNA position 8171, A replaced by T.
Protein change: p.Glu2724Val; replaces glutamic acid 2724 with valine.
Molecular consequence: missense variant.
Genome position (GRCh38, 1-based): chr14:64,052,084, A>T. VCF-style: chr14-64052084-A-T. GRCh37 (hg19) VCF-style: chr14-64518802-A-T.
Other names: c.8171A>T, p.Glu2724Val (NM_015180.6); short protein forms E2724V.
Identifiers: ClinVar variation 857218 (VCV000857218.12), dbSNP rs759977701, ClinGen allele CA7221065.

ClinVar aggregate classification (germline): Uncertain significance. Review status: criteria provided, multiple submitters, no conflicts (2 of 4 stars). 2 submissions from 2 submitters: Uncertain significance (2). Last evaluated 2025-10-23.

Conditions:
Emery-Dreifuss muscular dystrophy 5, autosomal dominant (EDMD5). Also called: EMERY-DREIFUSS MUSCULAR DYSTROPHY 5. Identifiers: Orphanet 261, MedGen C2751805, MONDO:0013072, OMIM 612999.

Allele frequency attached by ClinVar (database versions not stated): gnomAD 0.00001; gnomAD exomes 0.00001 and 0.00002; ExAC 0.00002; TOPMed 0.00002.
gnomAD v4.1: 26 of 1,614,126 alleles (0.0016%); highest among the groups gnomAD compares: Non-Finnish European, 0.0019%; 1 homozygote.

Submissions (2):

Labcorp Genetics (formerly Invitae), Labcorp
Classification: Uncertain significance for Emery-Dreifuss muscular dystrophy 5, autosomal dominant. Last evaluated: 2025-10-23. Review status: criteria provided, single submitter. Criteria: Invitae Variant Classification Sherloc (09022015). Collection method: clinical testing. Allele origin: germline.
Comment: This sequence change replaces glutamic acid, which is acidic and polar, with valine, which is neutral and non-polar, at codon 2724 of the SYNE2 protein (p.Glu2724Val). This variant is present in population databases (rs759977701, gnomAD 0.003%). This variant has not been reported in the literature in individuals affected with SYNE2-related conditions. ClinVar contains an entry for this variant (Variation ID: 857218). An algorithm developed to predict the effect of missense changes on protein structure and function (PolyPhen-2) suggests that this variant is likely to be disruptive. In summary, the available evidence is currently insufficient to determine the role of this variant in disease. Therefore, it has been classified as a Variant of Uncertain Significance.

Revvity Omics, Revvity
Classification: Uncertain significance for Emery-Dreifuss muscular dystrophy 5, autosomal dominant. Last evaluated: 2019-01-15. Review status: criteria provided, single submitter. Criteria: ACMG Guidelines, 2015. Collection method: clinical testing. Allele origin: germline.